The following is an entry in ClinVar:

ClinVar aggregate classification (germline): Uncertain significance (1 of 4 stars; one submission).

Conditions:
Hereditary cancer-predisposing syndrome. Also called: Neoplastic Syndromes, Hereditary; Tumor predisposition; Hereditary Cancer Syndrome; Hereditary neoplastic syndrome. Identifiers: Orphanet 140162, MedGen C0027672, MeSH D009386, MONDO:0015356.

Submission:

Ambry Genetics
Classification: Uncertain significance for Hereditary cancer-predisposing syndrome. Last evaluated: 2026-01-05. Review status: criteria provided, single submitter. Criteria: Ambry Variant Classification Scheme 2023. Collection method: clinical testing. Allele origin: germline.
Comment: The p.V179F variant (also known as c.535G>T), located in coding exon 3 of the NTHL1 gene, results from a G to T substitution at nucleotide position 535. The valine at codon 179 is replaced by phenylalanine, an amino acid with highly similar properties. This amino acid position is highly conserved in available vertebrate species. In addition, this alteration is predicted to be deleterious by in silico analysis. Based on the available evidence, the clinical significance of this variant remains unclear.

NM_002528.7(NTHL1):c.511G>T (p.Val171Phe)

Gene: NTHL1 (nth like DNA glycosylase 1; minus strand). Cytogenetic location: 16p13.3.
Variant type: single nucleotide variant.
Coding change: c.511G>T on transcript NM_002528.7 (MANE Select); coding-DNA position 511, G replaced by T.
Protein change: p.Val171Phe; replaces valine 171 with phenylalanine.
Molecular consequence: missense variant. On other transcripts: intron variant (1).
Genome position (GRCh38, 1-based): chr16:2,044,644, C>A on the plus strand (G>T on the coding strand, the complement: NTHL1 is on the minus strand). VCF-style: chr16-2044644-C-A. GRCh37 (hg19) VCF-style: chr16-2094645-C-A.
Other names: c.181G>T, p.Val61Phe (NM_001318194.2); c.355-918G>T (NM_001318193.2); short protein forms V61F, V171F.
Identifiers: ClinVar variation 4842853 (VCV004842853.1).